The following is an entry in ClinVar:

ClinVar aggregate classification (germline): Uncertain significance (1 of 4 stars; one submission).

gnomAD v4.1: 1 of 1,614,196 alleles (0.000062%); highest among the groups gnomAD compares: Non-Finnish European, 0.000085%; no homozygotes.

Submission:

CeGaT Center for Human Genetics Tuebingen
Classification: Uncertain significance. Last evaluated: 2024-09-01. Review status: criteria provided, single submitter. Criteria: CeGaT Center For Human Genetics Tuebingen Variant Classification Criteria Version 2. Collection method: clinical testing. Allele origin: germline. Affected: yes. Observed: 1 variant allele.
Comment: DNAH9: PM2, BP4

NM_001372.4(DNAH9):c.3428A>T (p.Gln1143Leu)

Gene: DNAH9 (dynein axonemal heavy chain 9; plus strand). Cytogenetic location: 17p12.
Variant type: single nucleotide variant.
Coding change: c.3428A>T on transcript NM_001372.4 (MANE Select); coding-DNA position 3428, A replaced by T.
Protein change: p.Gln1143Leu; replaces glutamine 1143 with leucine.
Molecular consequence: missense variant.
Genome position (GRCh38, 1-based): chr17:11,679,831, A>T. VCF-style: chr17-11679831-A-T. GRCh37 (hg19) VCF-style: chr17-11583148-A-T.
Other names: short protein forms Q1143L.
Identifiers: ClinVar variation 3389709 (VCV003389709.14).
Genomic context (GRCh38, chr17:11,679,831, plus strand): 5'-ATGCGTTTATAAAGAAGAGTGAGAGCGGCTTACTCAAGAAAGTTGAAAAAGGAGATTTCC[A>T]AGGCTTGGTTGAGATCATGGGACACCTTATGGCTGTTAAAGAACGGCAGAGTAACACTGA-3'
Protein context (NP_001363.2, residues 1133-1153): LLKKVEKGDF[Gln1143Leu]GLVEIMGHLM